The following is an entry in ClinVar:

NM_015909.4(NBAS):c.646A>C (p.Ser216Arg)

Gene: NBAS (NBAS subunit of NRZ tethering complex; minus strand). Cytogenetic location: 2p24.3.
Variant type: single nucleotide variant.
Coding change: c.646A>C on transcript NM_015909.4 (MANE Select); coding-DNA position 646, A replaced by C.
Protein change: p.Ser216Arg; replaces serine 216 with arginine.
Molecular consequence: missense variant. On other transcripts: non-coding transcript variant (1).
Genome position (GRCh38, 1-based): chr2:15,536,419, T>G on the plus strand (A>C on the coding strand, the complement: NBAS is on the minus strand). VCF-style: chr2-15536419-T-G. GRCh37 (hg19) VCF-style: chr2-15676543-T-G.
Other names: c.646A>C (NM_015909.3); short protein forms S216R.
Identifiers: ClinVar variation 1433309 (VCV001433309.3), dbSNP rs1663516243, ClinGen allele CA345885883.

ClinVar aggregate classification (germline): Conflicting classifications of pathogenicity. Review status: criteria provided, conflicting classifications (1 of 4 stars). 2 submissions from 2 submitters: Likely pathogenic (1); Uncertain significance (1). Last evaluated 2023-06-02.

Allele frequency attached by ClinVar (database versions not stated): gnomAD exomes 0.00003.
gnomAD v4.1: 42 of 1,613,334 alleles (0.0026%); highest among the groups gnomAD compares: Non-Finnish European, 0.0035%; no homozygotes.

Submissions (2):

GeneDx
Classification: Likely pathogenic. Last evaluated: 2023-06-02. Review status: criteria provided, single submitter. Criteria: GeneDx Variant Classification Process June 2021. Collection method: clinical testing. Allele origin: germline. Affected: yes.
Comment: Not observed at significant frequency in large population cohorts (gnomAD); In silico analysis supports that this missense variant has a deleterious effect on protein structure/function; Has not been previously published as pathogenic or benign to our knowledge

Labcorp Genetics (formerly Invitae), Labcorp
Classification: Uncertain significance. Last evaluated: 2022-10-16. Review status: criteria provided, single submitter. Criteria: Invitae Variant Classification Sherloc (09022015). Collection method: clinical testing. Allele origin: germline.
Comment: This sequence change replaces serine, which is neutral and polar, with arginine, which is basic and polar, at codon 216 of the NBAS protein (p.Ser216Arg). This variant is not present in population databases (gnomAD no frequency). This variant has not been reported in the literature in individuals affected with NBAS-related conditions. ClinVar contains an entry for this variant (Variation ID: 1433309). Algorithms developed to predict the effect of missense changes on protein structure and function (SIFT, PolyPhen-2, Align-GVGD) all suggest that this variant is likely to be disruptive. Algorithms developed to predict the effect of sequence changes on RNA splicing suggest that this variant may disrupt the consensus splice site. In summary, the available evidence is currently insufficient to determine the role of this variant in disease. Therefore, it has been classified as a Variant of Uncertain Significance.